The following is an entry in ClinVar:

ClinVar aggregate classification (germline): Uncertain significance. Review status: criteria provided, multiple submitters, no conflicts (2 of 4 stars). 2 submissions from 2 submitters: Uncertain significance (2). Last evaluated 2024-10-22.

Conditions:
Methylmalonate semialdehyde dehydrogenase deficiency (MMSDHD). Also called: MMSDH DEFICIENCY. Identifiers: Orphanet 289307, MedGen C3279840, MONDO:0013579, OMIM 614105.

Allele frequency attached by ClinVar (database versions not stated): ExAC 0.00001; gnomAD exomes 0.00001 and 0.00002; TOPMed 0.00003; gnomAD 0.00005; ESP Exome Variant Server 0.00008.
gnomAD v4.1: 42 of 1,613,998 alleles (0.0026%); highest among the groups gnomAD compares: South Asian, 0.0033%; no homozygotes.

Submissions (2):

Labcorp Genetics (formerly Invitae), Labcorp
Classification: Uncertain significance. Last evaluated: 2024-10-22. Review status: criteria provided, single submitter. Criteria: Invitae Variant Classification Sherloc (09022015). Collection method: clinical testing. Allele origin: germline.
Comment: This sequence change replaces arginine, which is basic and polar, with glutamine, which is neutral and polar, at codon 458 of the ALDH6A1 protein (p.Arg458Gln). This variant is present in population databases (rs369223978, gnomAD 0.003%). This variant has not been reported in the literature in individuals affected with ALDH6A1-related conditions. ClinVar contains an entry for this variant (Variation ID: 1419533). Invitae Evidence Modeling of protein sequence and biophysical properties (such as structural, functional, and spatial information, amino acid conservation, physicochemical variation, residue mobility, and thermodynamic stability) indicates that this missense variant is not expected to disrupt ALDH6A1 protein function with a negative predictive value of 95%. In summary, the available evidence is currently insufficient to determine the role of this variant in disease. Therefore, it has been classified as a Variant of Uncertain Significance.

Victorian Clinical Genetics Services, Murdoch Childrens Research Institute
Classification: Uncertain significance for Methylmalonate semialdehyde dehydrogenase deficiency. Last evaluated: 2020-05-21. Review status: criteria provided, single submitter. Criteria: ACMG Guidelines, 2015. Collection method: clinical testing. Allele origin: germline. Inheritance: Autosomal recessive inheritance. Affected: yes.
Comment: Based on the classification scheme VCGS_Germline_v1.1.1, this variant is classified as 3A-VUS. Following criteria are met: 0102 - Loss-of-function is a known mechanism of disease for this gene. (N) 0106 - This gene is known to be associated with autosomal recessive disease. (N) 0200 - Variant is predicted to result in a missense amino acid change from an arginine to a glutamine (exon 10). (N) 0252 - Variant is homozygous. (N) 0304 - Variant is present in gnomAD <0.01 for a recessive condition (2 heterozygotes, 0 homozygotes). (P) 0309 - An alternative amino acid change at the same position has been observed in gnomAD (2 heterozygotes, 0 homozygotes). (N) 0502 - Missense variant with conflicting in-silico predictions and/or uninformative conservation. (N) 0600 - Variant is located in an annotated domain or motif (polypeptide binding site; NCBI). (N) 0705 - No comparable variants have previous evidence for pathogenicity. (N) 0807 - Variant has not previously been reported in a clinical context. (N) 0905 - No segregation evidence has been identified for this variant. (N) 1005 - Clinically accredited laboratory assay specific to gene product shows abnormal protein function (VCGS). (P) 1101 - Very strong and specific phenotype match. (P) 1208 - Inheritance information for this variant is not currently available. (N) Legend: (P) - Pathogenic, (N) - Neutral, (B) - Benign

NM_005589.4(ALDH6A1):c.1373G>A (p.Arg458Gln)

Genes: ALDH6A1 (aldehyde dehydrogenase 6 family member A1; minus strand), BBOF1 (basal body orientation factor 1; plus strand). Cytogenetic location: 14q24.3.
Variant type: single nucleotide variant.
Coding change: c.1373G>A on transcript NM_005589.4 (MANE Select); coding-DNA position 1373, G replaced by A.
Protein change: p.Arg458Gln; replaces arginine 458 with glutamine.
Molecular consequence: missense variant. On other transcripts: 3 prime UTR variant (1).
Genome position (GRCh38, 1-based): chr14:74,065,212, C>T on the plus strand (G>A on the coding strand, the complement: ALDH6A1 is on the minus strand). VCF-style: chr14-74065212-C-T. GRCh37 (hg19) VCF-style: chr14-74531915-C-T.
Other names: c.1334G>A, p.Arg445Gln (NM_001278593.2); c.911G>A, p.Arg304Gln (NM_001278594.2); c.*513C>T (NM_025057.3); short protein forms R445Q, R304Q, R458Q.
Identifiers: ClinVar variation 1419533 (VCV001419533.9), dbSNP rs369223978, ClinGen allele CA7265644.